The following is an entry in ClinVar:

ClinVar aggregate classification (germline): Uncertain significance. Review status: criteria provided, multiple submitters, no conflicts (2 of 4 stars). 2 submissions from 2 submitters: Uncertain significance (2). Last evaluated 2024-10-22.

Allele frequency attached by ClinVar (database versions not stated): gnomAD exomes below 0.00001; TOPMed below 0.00001.
gnomAD v4.1: 2 of 1,613,316 alleles (0.00012%); highest among the groups gnomAD compares: South Asian, 0.0011%; no homozygotes.

Submissions (2):

Labcorp Genetics (formerly Invitae), Labcorp
Classification: Uncertain significance. Last evaluated: 2024-10-22. Review status: criteria provided, single submitter. Criteria: Invitae Variant Classification Sherloc (09022015). Collection method: clinical testing. Allele origin: germline.
Comment: This sequence change falls in intron 12 of the SAG gene. It does not directly change the encoded amino acid sequence of the SAG protein. It affects a nucleotide within the consensus splice site. This variant is present in population databases (no rsID available, gnomAD 0.003%). This variant has not been reported in the literature in individuals affected with SAG-related conditions. ClinVar contains an entry for this variant (Variation ID: 2184219). Variants that disrupt the consensus splice site are a relatively common cause of aberrant splicing (PMID: 17576681, 9536098). Algorithms developed to predict the effect of sequence changes on RNA splicing suggest that this variant is not likely to affect RNA splicing. In summary, the available evidence is currently insufficient to determine the role of this variant in disease. Therefore, it has been classified as a Variant of Uncertain Significance.

Blueprint Genetics
Classification: Uncertain significance. Last evaluated: 2019-02-05. Review status: criteria provided, single submitter. Criteria: ACMG Guidelines, 2015. Collection method: clinical testing. Allele origin: germline.

Literature cited by the submitters: PubMed 17576681 (cited by Labcorp Genetics (formerly Invitae), Labcorp); PubMed 9536098 (cited by Labcorp Genetics (formerly Invitae), Labcorp).

NM_000541.5(SAG):c.1022+3A>G

Gene: SAG (S-antigen visual arrestin; plus strand). Cytogenetic location: 2q37.1.
Variant type: single nucleotide variant.
Coding change: c.1022+3A>G on transcript NM_000541.5 (MANE Select); 3 bases into the intron after coding-DNA position 1022, A replaced by G.
Molecular consequence: intron variant.
Genome position (GRCh38, 1-based): chr2:233,338,756, A>G. VCF-style: chr2-233338756-A-G. GRCh37 (hg19) VCF-style: chr2-234247402-A-G.
Identifiers: ClinVar variation 2184219 (VCV002184219.5), dbSNP rs1400103173, ClinGen allele CA540043111.